The following is an entry in ClinVar:

NM_000051.4(ATM):c.4562T>C (p.Val1521Ala)

Gene: ATM (ATM serine/threonine kinase; plus strand). Cytogenetic location: 11q22.3.
Variant type: single nucleotide variant.
Coding change: c.4562T>C on transcript NM_000051.4 (MANE Select); coding-DNA position 4562, T replaced by C.
Protein change: p.Val1521Ala; replaces valine 1521 with alanine.
Molecular consequence: missense variant.
Genome position (GRCh38, 1-based): chr11:108,292,744, T>C. VCF-style: chr11-108292744-T-C. GRCh37 (hg19) VCF-style: chr11-108163471-T-C.
Other names: c.4562T>C, p.Val1521Ala (NM_001351834.2); short protein forms V1521A.
Identifiers: ClinVar variation 186073 (VCV000186073.10), dbSNP rs786202673, ClinGen allele CA193789.

ClinVar aggregate classification (germline): Uncertain significance. Review status: criteria provided, multiple submitters, no conflicts (2 of 4 stars). 2 submissions from 2 submitters: Uncertain significance (2). Last evaluated 2023-08-11.

Conditions:
Hereditary cancer-predisposing syndrome. Also called: Hereditary Cancer Syndrome; Neoplastic Syndromes, Hereditary; Tumor predisposition; Hereditary neoplastic syndrome. Identifiers: Orphanet 140162, MedGen C0027672, MeSH D009386, MONDO:0015356.
Ataxia-telangiectasia syndrome (AT). Also called: Ataxia-telangiectasia, complementation group D; AT, COMPLEMENTATION GROUP C; ATAXIA-TELANGIECTASIA, COMPLEMENTATION GROUP A; ATAXIA-TELANGIECTASIA, FRESNO VARIANT; Ataxia-telangiectasia; LOUIS-BAR SYNDROME. Identifiers: Orphanet 100, MedGen C0004135, MONDO:0008840, OMIM 208900.

Allele frequency attached by ClinVar (database versions not stated): TOPMed below 0.00001.

Submissions (2):

Labcorp Genetics (formerly Invitae), Labcorp
Classification: Uncertain significance for Ataxia-telangiectasia syndrome. Last evaluated: 2023-08-11. Review status: criteria provided, single submitter. Criteria: Invitae Variant Classification Sherloc (09022015). Collection method: clinical testing. Allele origin: germline.
Comment: This variant is not present in population databases (gnomAD no frequency). In summary, the available evidence is currently insufficient to determine the role of this variant in disease. Therefore, it has been classified as a Variant of Uncertain Significance. An algorithm developed to predict the effect of missense changes on protein structure and function (PolyPhen-2) suggests that this variant is likely to be disruptive. ClinVar contains an entry for this variant (Variation ID: 186073). This variant has not been reported in the literature in individuals affected with ATM-related conditions. This sequence change replaces valine, which is neutral and non-polar, with alanine, which is neutral and non-polar, at codon 1521 of the ATM protein (p.Val1521Ala).

Ambry Genetics
Classification: Uncertain significance for Hereditary cancer-predisposing syndrome. Last evaluated: 2023-06-28. Review status: criteria provided, single submitter. Criteria: Ambry Variant Classification Scheme 2023. Collection method: clinical testing. Allele origin: germline.
Comment: The p.V1521A variant (also known as c.4562T>C), located in coding exon 29 of the ATM gene, results from a T to C substitution at nucleotide position 4562. The valine at codon 1521 is replaced by alanine, an amino acid with similar properties. This amino acid position is well conserved in available vertebrate species. In addition, the in silico prediction for this alteration is inconclusive. Since supporting evidence is limited at this time, the clinical significance of this alteration remains unclear.